The following is an entry in ClinVar:

NM_001267550.2(TTN):c.33173-4G>A

Gene: TTN (titin; minus strand). Cytogenetic location: 2q31.2.
Variant type: single nucleotide variant.
Coding change: c.33173-4G>A on transcript NM_001267550.2 (MANE Select); 4 bases into the intron before coding-DNA position 33173, G replaced by A.
Molecular consequence: intron variant.
Genome position (GRCh38, 1-based): chr2:178,681,454, C>T on the plus strand (G>A on the coding strand, the complement: TTN is on the minus strand). VCF-style: chr2-178681454-C-T. GRCh37 (hg19) VCF-style: chr2-179546181-C-T.
Other names: c.13283-39137G>A (NM_003319.4); c.13859-39137G>A (NM_133437.4); c.13658-39137G>A (NM_133432.3); c.29441-4G>A (NM_133378.4); c.32222-4G>A (NM_001256850.1).
Identifiers: ClinVar variation 178225 (VCV000178225.28), dbSNP rs727504440, ClinGen allele CA181837.

ClinVar aggregate classification (germline): Conflicting classifications of pathogenicity. Review status: criteria provided, conflicting classifications (1 of 4 stars). 13 submissions from 9 submitters: Uncertain significance (3); Benign (1); Likely benign (6). 3 of the submissions do not count toward it. Last evaluated 2026-04-21.

Conditions:
TTN-related disorder. Also called: TTN-related condition; TTN-related disease; TTN-related disorders.
Dilated cardiomyopathy 1G (CMD1G). Identifiers: Orphanet 154, MedGen C1858763, MONDO:0011400, OMIM 604145.
Autosomal recessive limb-girdle muscular dystrophy type 2J (LGMDR10). Also called: Limb-girdle muscular dystrophy, type 2J; MUSCULAR DYSTROPHY, LIMB-GIRDLE, AUTOSOMAL RECESSIVE 10. Identifiers: Orphanet 140922, MedGen C1837342, MONDO:0012127, OMIM 608807.
Early-onset myopathy with fatal cardiomyopathy (CMYO5). Also called: CONGENITAL MYOPATHY 5 WITH CARDIOMYOPATHY; Salih Myopathy. Identifiers: Orphanet 289377, MedGen C2673677, MONDO:0012714, OMIM 611705. Disease mechanism: loss of function.
Myopathy, myofibrillar, 9, with early respiratory failure (MFM9). Also called: Hereditary myopathy with early respiratory failure; EDSTROM MYOPATHY; MYOPATHY, PROXIMAL, WITH EARLY RESPIRATORY MUSCLE INVOLVEMENT; Myopathy, distal, with early respiratory failure, autosomal dominant. Identifiers: Orphanet 178464, Orphanet 34521, MedGen C1863599, MONDO:0011362, OMIM 603689.
Tibial muscular dystrophy (TMD). Also called: Udd Distal Myopathy – Tibial Muscular Dystrophy; UDD MYOPATHY; Tibial muscular dystrophy, tardive. Identifiers: Orphanet 609, MedGen C1838244, MONDO:0010870, OMIM 600334.

Allele frequency attached by ClinVar (database versions not stated): gnomAD exomes 0.00002 and 0.00006; gnomAD 0.00005 and 0.00006; TOPMed 0.00005.
gnomAD v4.1: 87 of 1,601,270 alleles (0.0054%); highest among the groups gnomAD compares: Non-Finnish European, 0.0071%; no homozygotes.

Submissions (13):

PreventionGenetics, part of Exact Sciences
Classification: Likely benign for TTN-related condition. Last evaluated: 2026-04-21. Review status: criteria provided, single submitter. Criteria: ACMG Guidelines, 2015. Collection method: clinical testing. Allele origin: germline.
Comment: This variant is classified as likely benign based on ACMG/AMP sequence variant interpretation guidelines (Richards et al. 2015 PMID: 25741868, with internal and published modifications).

Labcorp Genetics (formerly Invitae), Labcorp
Classification: Likely benign for Dilated cardiomyopathy 1G; Autosomal recessive limb-girdle muscular dystrophy type 2J. Last evaluated: 2026-01-11. Review status: criteria provided, single submitter. Criteria: Invitae Variant Classification Sherloc (09022015). Collection method: clinical testing. Allele origin: germline.

Women's Health and Genetics/Laboratory Corporation of America, LabCorp
Classification: Likely benign. Last evaluated: 2025-06-27. Review status: criteria provided, single submitter. Criteria: LabCorp Variant Classification Summary - May 2015. Collection method: clinical testing. Allele origin: germline.
Comment: Variant summary: TTN c.29441-4G>A alters a nucleotide located at a position not widely known to affect splicing. Consensus agreement among computation tools predict no significant impact on normal splicing. However, these predictions have yet to be confirmed by functional studies. The variant allele was found at a frequency of 1.7e-05 in 234154 control chromosomes. The available data on variant occurrences in the general population are insufficient to allow any conclusion about variant significance. c.29441-4G>A has been observed in a setting of multigene panel testing in an individual affected with Hypertrophic Cardiomyopathy, without strong evidence for causality (Burstein_2021). This report does not provide unequivocal conclusions about association of the variant with Dilated Cardiomyopathy. To our knowledge, no experimental evidence demonstrating an impact on protein function has been reported. The following publication has been ascertained in the context of this evaluation (PMID: 32746448). ClinVar contains an entry for this variant (Variation ID: 178225). Based on the evidence outlined above, the variant was classified as likely benign.

GeneDx
Classification: Likely benign. Last evaluated: 2020-05-12. Review status: criteria provided, single submitter. Criteria: GeneDx Variant Classification Process June 2021. Collection method: clinical testing. Allele origin: germline. Affected: yes.

Illumina Laboratory Services, Illumina
Classification: Likely benign for Myopathy, myofibrillar, 9, with early respiratory failure. Last evaluated: 2017-05-18. Review status: criteria provided, single submitter. Criteria: ICSL Variant Classification Criteria 13 December 2019. Collection method: clinical testing. Allele origin: germline.
Comment: This variant was observed as part of a predisposition screen in an ostensibly healthy population. A literature search was performed for the gene, cDNA change, and amino acid change (where applicable). No publications were found based on this search. Allele frequency data from public databases allowed determination this variant is unlikely to cause disease. Therefore, this variant is classified as likely benign.

Illumina Laboratory Services, Illumina
Classification: Benign for Tibial muscular dystrophy. Last evaluated: 2017-05-18. Review status: criteria provided, single submitter. Criteria: ICSL Variant Classification Criteria 13 December 2019. Collection method: clinical testing. Allele origin: germline.
Comment: This variant was observed as part of a predisposition screen in an ostensibly healthy population. A literature search was performed for the gene, cDNA change, and amino acid change (where applicable). No publications were found based on this search. Allele frequency data from public databases was too high to be consistent with this variant causing disease. Therefore, this variant is classified as benign.

Illumina Laboratory Services, Illumina
Classification: Uncertain significance for Autosomal recessive limb-girdle muscular dystrophy type 2J. Last evaluated: 2017-04-27. Review status: criteria provided, single submitter. Criteria: ICSL Variant Classification Criteria 13 December 2019. Collection method: clinical testing. Allele origin: germline.

Illumina Laboratory Services, Illumina
Classification: Uncertain significance for Dilated cardiomyopathy 1G. Last evaluated: 2017-04-27. Review status: criteria provided, single submitter. Criteria: ICSL Variant Classification Criteria 13 December 2019. Collection method: clinical testing. Allele origin: germline.

Illumina Laboratory Services, Illumina
Classification: Uncertain significance for Early-onset myopathy with fatal cardiomyopathy. Last evaluated: 2017-04-27. Review status: criteria provided, single submitter. Criteria: ICSL Variant Classification Criteria 13 December 2019. Collection method: clinical testing. Allele origin: germline.

Laboratory for Molecular Medicine, Mass General Brigham Personalized Medicine
Classification: Likely benign. Last evaluated: 2012-03-19. Review status: criteria provided, single submitter. Criteria: LMM Criteria. Collection method: clinical testing. Allele origin: germline. Observed: 3 variant alleles.
Comment: 29441-4G>A in intron 133 of TTN: This variant is not expected to have clinical s ignificance because it is not located within the splice consensus sequence. It h as been identified in 1/2906 African American chromosomes by the NHLBI Exome Seq uencing Project.

Clinical Genetics DNA and cytogenetics Diagnostics Lab, Erasmus MC, Erasmus Medical Center
Classification: Likely benign. Review status: no assertion criteria provided. Collection method: clinical testing. Allele origin: germline. Affected: yes. Study: VKGL Data-share Consensus. Not counted in ClinVar's aggregate classification.

Clinical Genetics, Academic Medical Center
Classification: Benign. Review status: no assertion criteria provided. Collection method: clinical testing. Allele origin: germline. Affected: yes. Study: VKGL Data-share Consensus. Not counted in ClinVar's aggregate classification.

Diagnostic Laboratory, Department of Genetics, University Medical Center Groningen
Classification: Likely benign. Review status: no assertion criteria provided. Collection method: clinical testing. Allele origin: germline. Affected: yes. Study: VKGL Data-share Consensus. Not counted in ClinVar's aggregate classification.

Literature cited by the submitters: PubMed 32746448 (cited by Women's Health and Genetics/Laboratory Corporation of America, LabCorp).